The following is an entry in ClinVar:

ClinVar aggregate classification (germline): Uncertain significance (1 of 4 stars; one submission).

Submission:

GeneDx
Classification: Uncertain significance. Last evaluated: 2023-12-07. Review status: criteria provided, single submitter. Criteria: GeneDx Variant Classification Process June 2021. Collection method: clinical testing. Allele origin: germline. Affected: yes.
Comment: Not observed at significant frequency in large population cohorts (gnomAD); In silico analysis supports that this missense variant has a deleterious effect on protein structure/function; Has not been previously published as pathogenic or benign to our knowledge

NM_022893.4(BCL11A):c.2251T>C (p.Phe751Leu)

Gene: BCL11A (BCL11 transcription factor A; minus strand). Cytogenetic location: 2p16.1.
Variant type: single nucleotide variant.
Coding change: c.2251T>C on transcript NM_022893.4 (MANE Select); coding-DNA position 2251, T replaced by C.
Protein change: p.Phe751Leu; replaces phenylalanine 751 with leucine.
Molecular consequence: missense variant. On other transcripts: intron variant (13).
Genome position (GRCh38, 1-based): chr2:60,460,661, A>G on the plus strand (T>C on the coding strand, the complement: BCL11A is on the minus strand). VCF-style: chr2-60460661-A-G. GRCh37 (hg19) VCF-style: chr2-60687796-A-G.
Other names: c.2149T>C, p.Phe717Leu (NM_001363864.1, NM_001365609.1, NM_001405711.1 and 1 more transcripts); c.2251T>C, p.Phe751Leu (NM_001405708.1, NM_001405709.1, NM_001405710.1); c.2095T>C, p.Phe699Leu (NM_001405713.1, NM_001405714.1, NM_001405715.1 and 1 more transcripts); c.1993T>C, p.Phe665Leu (NM_001405717.1, NM_001405718.1); c.1918T>C, p.Phe640Leu (NM_001405720.1, NM_001405721.1); c.1795T>C, p.Phe599Leu (NM_001405725.1, NM_001405726.1, NM_001405727.1 and 1 more transcripts); c.1558T>C, p.Phe520Leu (NM_001405729.1); c.630+1621T>C (NM_138559.2, NM_001405732.1); and 9 more; short protein forms F520L, F599L, F640L, F665L, F699L, F717L, F751L.
Identifiers: ClinVar variation 3252362 (VCV003252362.1), dbSNP rs2466201515.
Genomic context (GRCh38, chr2:60,460,661, plus strand): 5'-TATAAGGCCTTTCGCCCGTGTGGCTTCTCCTGTGGACAGTGAGATTGCTACAGTTCTTGA[A>G]GACTTTCCCACAGTACTCACAAGTGTCGCTGCGTCTGCCCTCTTTTGAGCTGGGCCTGCC-3'
Protein context (NP_075044.2, residues 741-761): SDTCEYCGKV[Phe751Leu]KNCSNLTVHR